The following is an entry in ClinVar:

ClinVar aggregate classification (germline): Uncertain significance. Review status: criteria provided, multiple submitters, no conflicts (2 of 4 stars). 2 submissions from 2 submitters: Uncertain significance (2). Last evaluated 2022-05-09.

Allele frequency attached by ClinVar (database versions not stated): 1000 Genomes Project 0.00020; 1000 Genomes Project 30x 0.00031.
gnomAD v4.1: 16 of 1,612,726 alleles (0.00099%); highest among the groups gnomAD compares: South Asian, 0.0088%; no homozygotes.

Submissions (2):

GeneDx
Classification: Uncertain significance. Last evaluated: 2022-05-09. Review status: criteria provided, single submitter. Criteria: GeneDx Variant Classification Process June 2021. Collection method: clinical testing. Allele origin: germline. Affected: yes.
Comment: Has not been previously published as pathogenic or benign to our knowledge; In silico analysis supports that this missense variant has a deleterious effect on protein structure/function; Not observed at significant frequency in large population cohorts (gnomAD)

Labcorp Genetics (formerly Invitae), Labcorp
Classification: Uncertain significance. Last evaluated: 2021-11-11. Review status: criteria provided, single submitter. Criteria: Invitae Variant Classification Sherloc (09022015). Collection method: clinical testing. Allele origin: germline.
Comment: This sequence change replaces arginine, which is basic and polar, with leucine, which is neutral and non-polar, at codon 235 of the MPDZ protein (p.Arg235Leu). This variant is present in population databases (rs577701969, gnomAD 0.003%). This variant has not been reported in the literature in individuals affected with MPDZ-related conditions. Algorithms developed to predict the effect of missense changes on protein structure and function (SIFT, PolyPhen-2, Align-GVGD) all suggest that this variant is likely to be disruptive. In summary, the available evidence is currently insufficient to determine the role of this variant in disease. Therefore, it has been classified as a Variant of Uncertain Significance.

NM_001378778.1(MPDZ):c.704G>T (p.Arg235Leu)

Gene: MPDZ (multiple PDZ domain crumbs cell polarity complex component; minus strand). Cytogenetic location: 9p23.
Variant type: single nucleotide variant.
Coding change: c.704G>T on transcript NM_001378778.1 (MANE Select); coding-DNA position 704, G replaced by T.
Protein change: p.Arg235Leu; replaces arginine 235 with leucine.
Molecular consequence: missense variant.
Genome position (GRCh38, 1-based): chr9:13,222,276, C>A on the plus strand (G>T on the coding strand, the complement: MPDZ is on the minus strand). VCF-style: chr9-13222276-C-A. GRCh37 (hg19) VCF-style: chr9-13222275-C-A.
Other names: c.704G>T, p.Arg235Leu (NM_001261406.2, NM_001261407.2, NM_001330637.2 and 14 more transcripts); short protein forms R235L.
Identifiers: ClinVar variation 1523394 (VCV001523394.4), dbSNP rs577701969, ClinGen allele CA189324480.